The following is an entry in ClinVar:

NM_000051.4(ATM):c.6573-3C>G

Genes: ATM (ATM serine/threonine kinase; plus strand), C11orf65 (chromosome 11 open reading frame 65; minus strand). Cytogenetic location: 11q22.3.
Variant type: single nucleotide variant.
Coding change: c.6573-3C>G on transcript NM_000051.4 (MANE Select); 3 bases into the intron before coding-DNA position 6573, C replaced by G.
Molecular consequence: intron variant.
Genome position (GRCh38, 1-based): chr11:108,325,307, C>G. VCF-style: chr11-108325307-C-G. GRCh37 (hg19) VCF-style: chr11-108196034-C-G.
Other names: c.6573-3C>G (NM_001351834.2); c.641-16236G>C (NM_001330368.2); c.*38+9913G>C (NM_001351110.2).
Identifiers: ClinVar variation 1754256 (VCV001754256.3), dbSNP rs2136306481, ClinGen allele CA2580083002.

ClinVar aggregate classification (germline): Uncertain significance (1 of 4 stars; one submission).

Conditions:
Hereditary cancer-predisposing syndrome. Also called: Hereditary neoplastic syndrome; Neoplastic Syndromes, Hereditary; Tumor predisposition; Hereditary Cancer Syndrome. Identifiers: Orphanet 140162, MedGen C0027672, MeSH D009386, MONDO:0015356.

Submission:

Ambry Genetics
Classification: Uncertain significance for Hereditary cancer-predisposing syndrome. Last evaluated: 2026-02-09. Review status: criteria provided, single submitter. Criteria: Ambry Variant Classification Scheme 2023. Collection method: clinical testing. Allele origin: germline.
Comment: The c.6573-3C>G intronic variant results from a C to G substitution 3 nucleotides upstream from coding exon 45 in the ATM gene. This nucleotide position is well conserved in available vertebrate species. In silico splice site analysis predicts that this alteration will weaken the native splice acceptor site and will result in the creation or strengthening of a novel splice acceptor site. Based on the available evidence, the clinical significance of this variant remains unclear.